The following is an entry in ClinVar:

ClinVar aggregate classification (germline): Pathogenic/Likely pathogenic. Review status: criteria provided, multiple submitters, no conflicts (2 of 4 stars). 14 submissions from 14 submitters: Pathogenic (10); Likely pathogenic (3). 1 of the submissions does not count toward it. Last evaluated 2025-12-20.

Conditions:
Inborn genetic diseases. Identifiers: MedGen C0950123, MeSH D030342.
Abnormality of corpus callosum.
Mitochondrial DNA depletion syndrome. Also called: mitochondrial DNA depletion. Identifiers: Orphanet 35698, MedGen C0342782, MONDO:0018158.
POLG-related disorder. Also called: POLG-related condition; POLG-Related Disorders; POLG-Related Spectrum Disorders. Identifiers: MedGen C4763519.
Mitochondrial DNA depletion syndrome 4b. Also called: MNGIE, POLG-RELATED; Mitochondrial Neurogastrointestinal Encephalopathy Disease, POLG-Related. Identifiers: Orphanet 298, MedGen C3150914, MONDO:0013350, OMIM 613662.
Sensory ataxic neuropathy, dysarthria, and ophthalmoparesis (SANDO). Also called: Ataxia Neuropathy Spectrum (ANS); SENSORY ATAXIC NEUROPATHY WITH MITOCHONDRIAL DNA DELETIONS, AUTOSOMAL RECESSIVE; Epilepsy, progressive myoclonic, type 5; Sensory ataxic neuropathy-dysarthria-ophthalmoparesis syndrome. Identifiers: Orphanet 70595, MedGen C1843851, MONDO:0011835, OMIM 607459.
Progressive sclerosing poliodystrophy (MTDPS4A). Also called: Alpers-Huttenlocher Syndrome (AHS); ALPERS PROGRESSIVE INFANTILE POLIODYSTROPHY; Alpers-Huttenlocher Syndrome; NEURONAL DEGENERATION OF CHILDHOOD WITH LIVER DISEASE, PROGRESSIVE; Mitochondrial DNA Depletion Syndrome 4A; ALPERS DIFFUSE DEGENERATION OF CEREBRAL GRAY MATTER WITH HEPATIC CIRRHOSIS. Identifiers: Orphanet 726, MedGen C0205710, MONDO:0008758, OMIM 203700.
Progressive external ophthalmoplegia with mitochondrial DNA deletions, autosomal dominant 1 (PEOA1). Also called: Autosomal Dominant Progressive External Ophthalmoplegia (adPEO); PROGRESSIVE EXTERNAL OPHTHALMOPLEGIA, AUTOSOMAL DOMINANT 1. Identifiers: MedGen C1834846, MONDO:0024528, OMIM 157640.
Progressive external ophthalmoplegia with mitochondrial DNA deletions, autosomal recessive 1 (PEOB1). Also called: Progressive external ophthalmoplegia, autosomal recessive 1; Autosomal Recessive Progressive External Ophthalmoplegia (arPEO). Identifiers: Orphanet 254886, MedGen C4225153, MONDO:0009783, OMIM 258450.

Allele frequency attached by ClinVar (database versions not stated): gnomAD exomes below 0.00001 and 0.00001; TOPMed 0.00001; gnomAD 0.00001.
gnomAD v4.1: 8 of 1,611,372 alleles (0.0005%); highest among the groups gnomAD compares: East Asian, 0.0022%; no homozygotes.

Submissions (14):

PreventionGenetics, part of Exact Sciences
Classification: Pathogenic for POLG-related condition. Last evaluated: 2025-12-20. Review status: criteria provided, single submitter. Criteria: ACMG Guidelines, 2015. Collection method: clinical testing. Allele origin: germline.
Comment: The POLG c.679C>T variant is predicted to result in the amino acid substitution p.Arg227Trp. This variant has been reported in the homozygous and compound heterozygous state in multiple unrelated individuals with POLG-related disorders (see for example, Agostino et al. 2003. PubMed ID: 12707443; Calvo et al. 2012. PubMed ID: 22277967; Table S1, Hikmat et al. 2017. PubMed ID: 28471437). This variant is reported in 0.0033% of alleles in individuals of South Asian descent in gnomAD. This variant is interpreted as pathogenic.

Center for Genomic Medicine, Rigshospitalet, Copenhagen University Hospital
Classification: Likely pathogenic. Last evaluated: 2025-03-04. Review status: criteria provided, single submitter. Criteria: ACMG Guidelines, 2015. Collection method: clinical testing. Allele origin: germline.

Labcorp Genetics (formerly Invitae), Labcorp
Classification: Pathogenic for Progressive sclerosing poliodystrophy. Last evaluated: 2024-10-29. Review status: criteria provided, single submitter. Criteria: Invitae Variant Classification Sherloc (09022015). Collection method: clinical testing. Allele origin: germline.
Comment: This sequence change replaces arginine, which is basic and polar, with tryptophan, which is neutral and slightly polar, at codon 227 of the POLG protein (p.Arg227Trp). This variant is present in population databases (rs121918056, gnomAD 0.003%). This missense change has been observed in individual(s) with autosomal recessive POLG-related disorders (PMID: 12707443, 16621917, 16957900, 19307547, 22277967, 25281868). In at least one individual the data is consistent with being in trans (on the opposite chromosome) from a pathogenic variant. ClinVar contains an entry for this variant (Variation ID: 13515). Invitae Evidence Modeling of protein sequence and biophysical properties (such as structural, functional, and spatial information, amino acid conservation, physicochemical variation, residue mobility, and thermodynamic stability) has been performed for this missense variant. However, the output from this modeling did not meet the statistical confidence thresholds required to predict the impact of this variant on POLG protein function. For these reasons, this variant has been classified as Pathogenic.

Women's Health and Genetics/Laboratory Corporation of America, LabCorp
Classification: Pathogenic for Mitochondrial DNA depletion syndrome. Last evaluated: 2024-04-11. Review status: criteria provided, single submitter. Criteria: LabCorp Variant Classification Summary - May 2015. Collection method: clinical testing. Allele origin: germline.
Comment: Variant summary: POLG c.679C>T (p.Arg227Trp) results in a non-conservative amino acid change located in the DNA mitochondrial polymerase, exonuclease domain (IPR041336) of the encoded protein sequence. Four of five in-silico tools predict a damaging effect of the variant on protein function. The variant allele was found at a frequency of 4e-06 in 247648 control chromosomes (gnomAD). c.679C>T has been reported in the literature in multiple individuals affected with features of Mitochondrial DNA Depletion Syndrome - POLG Related (e.g. de Vries_2007, Hikmat_2017, Lindstrand_2019). These data indicate that the variant is very likely to be associated with disease. The following publications have been ascertained in the context of this evaluation (PMID: 28471437, 31694722, 16957900). ClinVar contains an entry for this variant (Variation ID: 13515). Based on the evidence outlined above, the variant was classified as pathogenic.

Fulgent Genetics
Classification: Pathogenic for Progressive external ophthalmoplegia with mitochondrial DNA deletions, autosomal dominant 1; Progressive sclerosing poliodystrophy; Progressive external ophthalmoplegia with mitochondrial DNA deletions, autosomal recessive 1; Sensory ataxic neuropathy, dysarthria, and ophthalmoparesis; Mitochondrial DNA depletion syndrome 4b. Last evaluated: 2024-04-09. Review status: criteria provided, single submitter. Criteria: ACMG Guidelines, 2015. Collection method: clinical testing. Allele origin: germline.

GeneDx
Classification: Pathogenic. Last evaluated: 2024-03-26. Review status: criteria provided, single submitter. Criteria: GeneDx Variant Classification Process June 2021. Collection method: clinical testing. Allele origin: germline. Affected: yes.
Comment: Not observed at significant frequency in large population cohorts (gnomAD); In silico analysis supports that this missense variant has a deleterious effect on protein structure/function; This variant is associated with the following publications: (PMID: 16957900, 24508722, 22277967, 31694722, 12707443, 15349879, 24091540, 31440721, 33726816, 18991720, 16545482, 15913923, 19307547, 25281868, 28471437)

Baylor Genetics
Classification: Pathogenic for Progressive sclerosing poliodystrophy. Last evaluated: 2023-11-15. Review status: criteria provided, single submitter. Criteria: ACMG Guidelines, 2015. Collection method: clinical testing. Allele origin: unknown.

Revvity Omics, Revvity
Classification: Pathogenic. Last evaluated: 2023-06-16. Review status: criteria provided, single submitter. Criteria: ACMG Guidelines, 2015. Collection method: clinical testing. Allele origin: germline.

Athena Diagnostics
Classification: Pathogenic. Last evaluated: 2023-04-06. Review status: criteria provided, single submitter. Criteria: Athena Diagnostics Criteria. Collection method: clinical testing. Allele origin: unknown.
Comment: The frequency of this variant in the general population is consistent with pathogenicity. In multiple individuals with POLG-related disorders, this variant has been seen with a single recessive pathogenic variant in the same gene, suggesting this variant may also be pathogenic. Computational tools predict that this variant is damaging.

Ambry Genetics
Classification: Likely pathogenic for Inborn genetic diseases. Last evaluated: 2021-05-27. Review status: criteria provided, single submitter. Criteria: Ambry Variant Classification Scheme 2023. Collection method: clinical testing. Allele origin: germline.
Comment: The c.679C>T (p.R227W) alteration is located in exon 3 (coding exon 2) of the POLG gene. This alteration results from a C to T substitution at nucleotide position 679, causing the arginine (R) at amino acid position 227 to be replaced by a tryptophan (W). Based on data from the Genome Aggregation Database (gnomAD) database, the POLG c.679C>T alteration was observed in 0.0004% (1/247,648) of total alleles studied, with a frequency of 0.003% (1/30,600) in the South Asian subpopulation. This alteration has been previously reported in multiple patients with autosomal recessive POLG-related mitochondrial disorders (Agostino 2003; Lamantea, 2004; de Vries, 2007; Horga, 2014; Hikmat, 2017). This amino acid position is highly conserved in available vertebrate species. The p.R227W alteration is predicted to be deleterious by in silico analysis. Based on the available evidence, this alteration is classified as likely pathogenic.

Rare Disease Group, Clinical Genetics, Karolinska Institutet
Classification: Likely pathogenic for Abnormality of corpus callosum. Last evaluated: 2019-04-09. Review status: criteria provided, single submitter. Criteria: ACMG Guidelines, 2015. Collection method: clinical testing. Allele origin: germline. Affected: yes.

Wong Mito Lab, Molecular and Human Genetics, Baylor College of Medicine
Classification: Pathogenic for Progressive sclerosing poliodystrophy. Last evaluated: 2018-10-01. Review status: criteria provided, single submitter. Criteria: ACMG Guidelines, 2015. Collection method: clinical testing. Allele origin: germline.
Comment: The NM_002693.2:c.679C>T (NP_002684.1:p.Arg227Trp) [GRCH38: NC_000015.10:g.89330257G>A] variant in POLG gene is interpretated to be a Pathogenic based on ACMG guidelines (PMID: 25741868). This variant has been reported in PMID:12707443 . This variant meets the following evidence codes reported in the ACMG-guideline. PS1:This variation causes same amino-acid change as an established pathogenic variant. PM2:This variant is absent in key population databases. PM3:Detected in trans with a pathogenic variant for Mitochondrial DNA depletion syndrome 4A (Alpers type) which is a recessive disorder. PP1:This variant is co-segregated with Mitochondrial DNA depletion syndrome 4A (Alpers type) in multiple affected family members. PP2:This is a missense variant in POLG with a low rate of benign and high rate of pathogenic missense variations. PP4:Patient's phenotype or family history is highly specific for POLG. Based on the evidence criteria codes applied, the variant is suggested to be Pathogenic.

Juno Genomics, Hangzhou Juno Genomics, Inc
Classification: Pathogenic for Progressive sclerosing poliodystrophy; Sensory ataxic neuropathy, dysarthria, and ophthalmoparesis; Mitochondrial DNA depletion syndrome 4b; Progressive external ophthalmoplegia with mitochondrial DNA deletions, autosomal dominant 1; Progressive external ophthalmoplegia with mitochondrial DNA deletions, autosomal recessive 1. Review status: criteria provided, single submitter. Criteria: ACMG Guidelines, 2015. Collection method: clinical testing. Allele origin: germline.
Comment: Absent from controls (or at extremely low frequency if recessive) in Genome Aggregation Database.;Multiple lines of computational evidence support a deleterious effect on the gene or gene product.;For recessive disorders, detected in trans with a pathogenic variant.

OMIM
Classification: Pathogenic for MITOCHONDRIAL DNA DEPLETION SYNDROME 4B (MNGIE TYPE). Last evaluated: 2009-03-24. Review status: no assertion criteria provided. Collection method: literature only. Allele origin: germline. Not counted in ClinVar's aggregate classification.

Literature cited by the submitters: PubMed 22277967 (cited by 3 submitters); PubMed 28471437 (cited by 4 submitters); PubMed 36732629 (cited by Center for Genomic Medicine, Rigshospitalet, Copenhagen University Hospital); PubMed 16957900 (cited by 4 submitters); PubMed 37084649 (cited by Center for Genomic Medicine, Rigshospitalet, Copenhagen University Hospital); PubMed 34755241 (cited by Center for Genomic Medicine, Rigshospitalet, Copenhagen University Hospital); PubMed 29341116 (cited by Center for Genomic Medicine, Rigshospitalet, Copenhagen University Hospital); PubMed 12707443 (cited by 4 submitters); PubMed 16621917 (cited by Labcorp Genetics (formerly Invitae), Labcorp and Athena Diagnostics); PubMed 19307547 (cited by 3 submitters); PubMed 25281868 (cited by 3 submitters); PubMed 31694722 (cited by Women's Health and Genetics/Laboratory Corporation of America, LabCorp and Athena Diagnostics); PubMed 30290626 (cited by Athena Diagnostics); PubMed 15349879 (cited by Athena Diagnostics and Ambry Genetics).

NM_002693.3(POLG):c.679C>T (p.Arg227Trp)

Genes: POLG (DNA polymerase gamma, catalytic subunit; minus strand), POLGARF (POLG alternative reading frame; minus strand). Cytogenetic location: 15q26.1.
Variant type: single nucleotide variant.
Coding change: c.679C>T on transcript NM_002693.3 (MANE Select); coding-DNA position 679, C replaced by T.
Protein change: p.Arg227Trp; replaces arginine 227 with tryptophan.
Molecular consequence: missense variant.
Genome position (GRCh38, 1-based): chr15:89,330,257, G>A on the plus strand (C>T on the coding strand, the complement: POLG is on the minus strand). VCF-style: chr15-89330257-G-A. GRCh37 (hg19) VCF-style: chr15-89873488-G-A.
Other names: c.679C>T, p.Arg227Trp (NM_001126131.2); short protein forms R227W.
Identifiers: ClinVar variation 13515 (VCV000013515.25), dbSNP rs121918056, ClinGen allele CA123154.
Genomic context (GRCh38, chr15:89,330,257, plus strand): 5'-GGGGGATGAGGTCAGCCGGCGACAGCTGGCTGGTCCAAGAGTAACGCTCTTCCACCAGCC[G>A]CTGGCTGCACCAGGAATACCTGAGGGAGGTGAGAGGCAGGCAGGTTCACCATGGAGACAT-3'
Protein context (NP_002684.1, residues 217-237): PSAWYSWCSQ[Arg227Trp]LVEERYSWTS